The following is an entry in ClinVar:

ClinVar aggregate classification (germline): Uncertain significance (1 of 4 stars; one submission).

Allele frequency attached by ClinVar (database versions not stated): gnomAD exomes below 0.00001; gnomAD 0.00003; TOPMed 0.00004; ESP Exome Variant Server 0.00008.
gnomAD v4.1: 10 of 1,612,686 alleles (0.00062%); highest among the groups gnomAD compares: African/African-American, 0.013%; no homozygotes.

Submission:

Labcorp Genetics (formerly Invitae), Labcorp
Classification: Uncertain significance. Last evaluated: 2022-09-22. Review status: criteria provided, single submitter. Criteria: Invitae Variant Classification Sherloc (09022015). Collection method: clinical testing. Allele origin: germline.
Comment: This sequence change replaces alanine, which is neutral and non-polar, with threonine, which is neutral and polar, at codon 323 of the ASNS protein (p.Ala323Thr). This variant is present in population databases (rs144612052, gnomAD 0.02%). This variant has not been reported in the literature in individuals affected with ASNS-related conditions. Advanced modeling of protein sequence and biophysical properties (such as structural, functional, and spatial information, amino acid conservation, physicochemical variation, residue mobility, and thermodynamic stability) performed at Invitae indicates that this missense variant is not expected to disrupt ASNS protein function. In summary, the available evidence is currently insufficient to determine the role of this variant in disease. Therefore, it has been classified as a Variant of Uncertain Significance.

NM_001673.5(ASNS):c.967G>A (p.Ala323Thr)

Genes: ASNS (asparagine synthetase (glutamine-hydrolyzing); minus strand), CZ1P-ASNS (CZ1P-ASNS readthrough; minus strand). Cytogenetic location: 7q21.3.
Variant type: single nucleotide variant.
Coding change: c.967G>A on transcript NM_001673.5 (MANE Select); coding-DNA position 967, G replaced by A.
Protein change: p.Ala323Thr; replaces alanine 323 with threonine.
Molecular consequence: missense variant. On other transcripts: non-coding transcript variant (1).
Genome position (GRCh38, 1-based): chr7:97,856,753, C>T on the plus strand (G>A on the coding strand, the complement: ASNS is on the minus strand). VCF-style: chr7-97856753-C-T. GRCh37 (hg19) VCF-style: chr7-97486065-C-T.
Other names: c.904G>A, p.Ala302Thr (NM_001178075.2); c.718G>A, p.Ala240Thr (NM_001178076.2, NM_001178077.1); c.967G>A, p.Ala323Thr (NM_001352496.2, NM_133436.3, NM_183356.4); short protein forms A240T, A302T, A323T.
Identifiers: ClinVar variation 1925842 (VCV001925842.2), dbSNP rs144612052, ClinGen allele CA163029170.